The following is an entry in ClinVar:

NM_001130987.2(DYSF):c.2114C>A (p.Ala705Asp)

Gene: DYSF (dysferlin; plus strand). Cytogenetic location: 2p13.2.
Variant type: single nucleotide variant.
Coding change: c.2114C>A on transcript NM_001130987.2 (MANE Select); coding-DNA position 2114, C replaced by A.
Protein change: p.Ala705Asp; replaces alanine 705 with aspartic acid.
Molecular consequence: missense variant.
Genome position (GRCh38, 1-based): chr2:71,555,969, C>A. VCF-style: chr2-71555969-C-A. GRCh37 (hg19) VCF-style: chr2-71783099-C-A.
Other names: c.2063C>A, p.Ala688Asp (NM_001130455.2, NM_001130983.2); c.2018C>A, p.Ala673Asp (NM_001130976.2, NM_001130977.2); c.2060C>A, p.Ala687Asp (NM_001130978.2, NM_003494.4); c.2153C>A, p.Ala718Asp (NM_001130979.2); c.2111C>A, p.Ala704Asp (NM_001130980.2, NM_001130981.2); c.2156C>A, p.Ala719Asp (NM_001130982.2); c.2021C>A, p.Ala674Asp (NM_001130984.2, NM_001130986.2); c.2114C>A, p.Ala705Asp (NM_001130985.2); and 1 more; short protein forms A673D, A705D, A674D, A688D, A718D, A687D, A704D, A719D.
Identifiers: ClinVar variation 2038077 (VCV002038077.5), dbSNP rs769128984, ClinGen allele CA1706062.

ClinVar aggregate classification (germline): Uncertain significance. Review status: criteria provided, multiple submitters, no conflicts (2 of 4 stars). 2 submissions from 2 submitters: Uncertain significance (2). Last evaluated 2024-09-23.

Conditions:
Neuromuscular disease caused by qualitative or quantitative defects of dysferlin. Also called: Qualitative or quantitative defects of dysferlin; Dysferlinopathy. Identifiers: Orphanet 207073, MedGen C2931687, MONDO:0016145.

Allele frequency attached by ClinVar (database versions not stated): gnomAD 0.00001; TOPMed 0.00001.
gnomAD v4.1: 4 of 1,559,382 alleles (0.00026%); highest among the groups gnomAD compares: Admixed American, 0.0078%; no homozygotes.

Submissions (2):

Labcorp Genetics (formerly Invitae), Labcorp
Classification: Uncertain significance for Neuromuscular disease caused by qualitative or quantitative defects of dysferlin. Last evaluated: 2024-09-23. Review status: criteria provided, single submitter. Criteria: Invitae Variant Classification Sherloc (09022015). Collection method: clinical testing. Allele origin: germline.
Comment: This sequence change replaces alanine, which is neutral and non-polar, with aspartic acid, which is acidic and polar, at codon 687 of the DYSF protein (p.Ala687Asp). The frequency data for this variant in the population databases is considered unreliable, as metrics indicate poor data quality at this position in the gnomAD database. This variant has not been reported in the literature in individuals affected with DYSF-related conditions. ClinVar contains an entry for this variant (Variation ID: 2038077). Invitae Evidence Modeling of protein sequence and biophysical properties (such as structural, functional, and spatial information, amino acid conservation, physicochemical variation, residue mobility, and thermodynamic stability) indicates that this missense variant is not expected to disrupt DYSF protein function with a negative predictive value of 95%. In summary, the available evidence is currently insufficient to determine the role of this variant in disease. Therefore, it has been classified as a Variant of Uncertain Significance.

Revvity Omics, Revvity
Classification: Uncertain significance. Last evaluated: 2020-07-27. Review status: criteria provided, single submitter. Criteria: ACMG Guidelines, 2015. Collection method: clinical testing. Allele origin: germline.